The following is an entry in ClinVar:

NM_001184.4(ATR):c.4619G>T (p.Cys1540Phe)

Gene: ATR (ATR checkpoint kinase; minus strand). Cytogenetic location: 3q23.
Variant type: single nucleotide variant.
Coding change: c.4619G>T on transcript NM_001184.4 (MANE Select); coding-DNA position 4619, G replaced by T.
Protein change: p.Cys1540Phe; replaces cysteine 1540 with phenylalanine.
Molecular consequence: missense variant.
Genome position (GRCh38, 1-based): chr3:142,513,523, C>A on the plus strand (G>T on the coding strand, the complement: ATR is on the minus strand). VCF-style: chr3-142513523-C-A. GRCh37 (hg19) VCF-style: chr3-142232365-C-A.
Other names: c.4427G>T, p.Cys1476Phe (NM_001354579.2); c.4619G>T (NM_001184.3); short protein forms C1476F, C1540F.
Identifiers: ClinVar variation 1985616 (VCV001985616.3), dbSNP rs1397117225, ClinGen allele CA354796761.

ClinVar aggregate classification (germline): Uncertain significance. Review status: criteria provided, multiple submitters, no conflicts (2 of 4 stars). 2 submissions from 2 submitters: Uncertain significance (2). Last evaluated 2024-11-08.

Conditions:
Inborn genetic diseases. Identifiers: MedGen C0950123, MeSH D030342.

Allele frequency attached by ClinVar (database versions not stated): gnomAD exomes below 0.00001.
gnomAD v4.1: 1 of 1,613,520 alleles (0.000062%); no homozygotes.

Submissions (2):

Ambry Genetics
Classification: Uncertain significance for Inborn genetic diseases. Last evaluated: 2024-11-08. Review status: criteria provided, single submitter. Criteria: Ambry Variant Classification Scheme 2023. Collection method: clinical testing. Allele origin: germline.
Comment: The p.C1540F variant (also known as c.4619G>T), located in coding exon 26 of the ATR gene, results from a G to T substitution at nucleotide position 4619. The cysteine at codon 1540 is replaced by phenylalanine, an amino acid with highly dissimilar properties. This amino acid position is conserved. In addition, this alteration is predicted to be tolerated by in silico analysis. Based on the available evidence, the clinical significance of this variant remains unclear.

Labcorp Genetics (formerly Invitae), Labcorp
Classification: Uncertain significance. Last evaluated: 2022-05-12. Review status: criteria provided, single submitter. Criteria: Invitae Variant Classification Sherloc (09022015). Collection method: clinical testing. Allele origin: germline.
Comment: This sequence change replaces cysteine, which is neutral and slightly polar, with phenylalanine, which is neutral and non-polar, at codon 1540 of the ATR protein (p.Cys1540Phe). This variant is present in population databases (no rsID available, gnomAD 0.004%). This variant has not been reported in the literature in individuals affected with ATR-related conditions. Algorithms developed to predict the effect of missense changes on protein structure and function are either unavailable or do not agree on the potential impact of this missense change (SIFT: "Deleterious"; PolyPhen-2: "Possibly Damaging"; Align-GVGD: "Class C0"). In summary, the available evidence is currently insufficient to determine the role of this variant in disease. Therefore, it has been classified as a Variant of Uncertain Significance.